The following is an entry in ClinVar:

ClinVar aggregate classification (germline): Benign. Review status: criteria provided, multiple submitters, no conflicts (2 of 4 stars). 3 submissions from 3 submitters: Benign (3). Last evaluated 2020-07-06.

Allele frequency attached by ClinVar (database versions not stated): gnomAD exomes 0.01015; gnomAD 0.12787 and 0.13617; TOPMed 0.14416; 1000 Genomes Project 0.14557; 1000 Genomes Project 30x 0.16599.
gnomAD v4.1: 33,296 of 1,519,884 alleles (2.2%); highest among the groups gnomAD compares: African/African-American, 44%; 6,251 homozygotes.

Submissions (3):

GeneDx
Classification: Benign. Last evaluated: 2020-07-06. Review status: criteria provided, single submitter. Criteria: GeneDx Variant Classification Process June 2021. Collection method: clinical testing. Allele origin: germline. Affected: yes.

Laboratory for Molecular Medicine, Mass General Brigham Personalized Medicine
Classification: Benign. Last evaluated: 2016-03-29. Review status: criteria provided, single submitter. Criteria: LMM Criteria. Collection method: clinical testing. Allele origin: germline.
Comment: Variant identified in a genome or exome case(s) and assessed due to predicted null impact of the variant or pathogenic assertions in the literature or databases. Disclaimer: This variant has not undergone full assessment. The following are preliminary notes: Frequency

Breakthrough Genomics
Classification: Benign. Review status: criteria provided, single submitter. Criteria: ACMG Guidelines, 2015. Collection method: not provided. Allele origin: germline. Inheritance: Autosomal recessive inheritance. Affected: yes.

NM_004667.6(HERC2):c.7594G>A (p.Val2532Met)

Gene: HERC2 (HECT and RLD domain containing E3 ubiquitin protein ligase 2; minus strand). Cytogenetic location: 15q13.1.
Variant type: single nucleotide variant.
Coding change: c.7594G>A on transcript NM_004667.6 (MANE Select); coding-DNA position 7594, G replaced by A.
Protein change: p.Val2532Met; replaces valine 2532 with methionine.
Molecular consequence: missense variant.
Genome position (GRCh38, 1-based): chr15:28,202,136, C>T on the plus strand (G>A on the coding strand, the complement: HERC2 is on the minus strand). VCF-style: chr15-28202136-C-T. GRCh37 (hg19) VCF-style: chr15-28447282-C-T.
Other names: short protein forms V2532M.
Identifiers: ClinVar variation 402930 (VCV000402930.7), dbSNP rs74005645, ClinGen allele CA7441745.